The following is an entry in ClinVar:

NM_133433.4(NIPBL):c.5574+5G>T

Gene: NIPBL (NIPBL cohesin loading factor; plus strand). Cytogenetic location: 5p13.2.
Variant type: single nucleotide variant.
Coding change: c.5574+5G>T on transcript NM_133433.4 (MANE Select); 5 bases into the intron after coding-DNA position 5574, G replaced by T.
Molecular consequence: intron variant.
Genome position (GRCh38, 1-based): chr5:37,022,395, G>T. VCF-style: chr5-37022395-G-T. GRCh37 (hg19) VCF-style: chr5-37022497-G-T.
Other names: c.5574+5G>T (NM_015384.5).
Identifiers: ClinVar variation 2040036 (VCV002040036.5), dbSNP rs745769829, ClinGen allele CA3236797.
Genomic context (GRCh38, chr5:37,022,395, plus strand): 5'-TTTGTCGACCTCAGCTTGCTGAACAGTATTATGATATGCTGATTGAAAGAATATTGGTAT[G>T]TTTGTCATTTTTATAATGATTCGTGAATATAATTTTGCCTTTCAAGCATCATGTTTTGTT-3'

ClinVar aggregate classification (germline): Conflicting classifications of pathogenicity. Review status: criteria provided, conflicting classifications (1 of 4 stars). 2 submissions from 2 submitters: Uncertain significance (1); Likely benign (1). Last evaluated 2026-01-24.

Conditions:
Cornelia de Lange syndrome 1 (CDLS1). Also called: NIPBL-Related Cornelia de Lange Syndrome; Brachmann de Lange syndrome; TYPUS DEGENERATIVUS AMSTELODAMENSIS. Identifiers: Orphanet 199, MedGen C4551851, MONDO:0007387, OMIM 122470.

Allele frequency attached by ClinVar (database versions not stated): gnomAD exomes 0.00001; ExAC 0.00003; TOPMed 0.00006; gnomAD 0.00007.
gnomAD v4.1: 27 of 1,594,392 alleles (0.0017%); highest among the groups gnomAD compares: African/African-American, 0.031%; no homozygotes.

Submissions (2):

Labcorp Genetics (formerly Invitae), Labcorp
Classification: Uncertain significance for Cornelia de Lange syndrome 1. Last evaluated: 2026-01-24. Review status: criteria provided, single submitter. Criteria: Invitae Variant Classification Sherloc (09022015). Collection method: clinical testing. Allele origin: germline.
Comment: This sequence change falls in intron 29 of the NIPBL gene. It does not directly change the encoded amino acid sequence of the NIPBL protein. It affects a nucleotide within the consensus splice site. This variant is present in population databases (rs745769829, gnomAD 0.05%). This variant has not been reported in the literature in individuals affected with NIPBL-related conditions. ClinVar contains an entry for this variant (Variation ID: 2040036). Variants that disrupt the consensus splice site are a relatively common cause of aberrant splicing (PMID: 17576681, 9536098). Algorithms developed to predict the effect of sequence changes on RNA splicing suggest that this variant may disrupt the consensus splice site. In summary, the available evidence is currently insufficient to determine the role of this variant in disease. Therefore, it has been classified as a Variant of Uncertain Significance.

Fulgent Genetics
Classification: Likely benign for Cornelia de Lange syndrome 1. Last evaluated: 2024-06-04. Review status: criteria provided, single submitter. Criteria: ACMG Guidelines, 2015. Collection method: clinical testing. Allele origin: germline.

Literature cited by the submitters: PubMed 17576681 (cited by Labcorp Genetics (formerly Invitae), Labcorp); PubMed 9536098 (cited by Labcorp Genetics (formerly Invitae), Labcorp).